The following is an entry in ClinVar:

ClinVar aggregate classification (germline): Uncertain significance. Review status: criteria provided, multiple submitters, no conflicts (2 of 4 stars). 2 submissions from 2 submitters: Uncertain significance (2). Last evaluated 2025-12-16.

Conditions:
Disseminated atypical mycobacterial infection. Identifiers: MedGen C0694566.

Allele frequency attached by ClinVar (database versions not stated): gnomAD exomes 0.00002 and 0.00005; ExAC 0.00004; ESP Exome Variant Server 0.00008; 1000 Genomes Project 30x 0.00031; gnomAD 0.00033 and 0.00035; 1000 Genomes Project 0.00040; TOPMed 0.00069.

Submissions (2):

Labcorp Genetics (formerly Invitae), Labcorp
Classification: Uncertain significance for Disseminated atypical mycobacterial infection. Last evaluated: 2025-12-16. Review status: criteria provided, single submitter. Criteria: Invitae Variant Classification Sherloc (09022015). Collection method: clinical testing. Allele origin: germline.
Comment: This sequence change replaces glutamic acid, which is acidic and polar, with lysine, which is basic and polar, at codon 156 of the IFNGR1 protein (p.Glu156Lys). This variant is present in population databases (rs150445578, gnomAD 0.01%). This variant has not been reported in the literature in individuals affected with IFNGR1-related conditions. ClinVar contains an entry for this variant (Variation ID: 972519). Invitae Evidence Modeling of protein sequence and biophysical properties (such as structural, functional, and spatial information, amino acid conservation, physicochemical variation, residue mobility, and thermodynamic stability) indicates that this missense variant is not expected to disrupt IFNGR1 protein function with a negative predictive value of 80%. In summary, the available evidence is currently insufficient to determine the role of this variant in disease. Therefore, it has been classified as a Variant of Uncertain Significance.

Breakthrough Genomics
Classification: Uncertain significance. Review status: criteria provided, single submitter. Criteria: ACMG Guidelines, 2015. Collection method: not provided. Allele origin: germline. Inheritance: Autosomal recessive inheritance. Affected: yes.

NM_000416.3(IFNGR1):c.466G>A (p.Glu156Lys)

Gene: IFNGR1 (interferon gamma receptor 1; minus strand). Cytogenetic location: 6q23.3.
Variant type: single nucleotide variant.
Coding change: c.466G>A on transcript NM_000416.3 (MANE Select); coding-DNA position 466, G replaced by A.
Protein change: p.Glu156Lys; replaces glutamic acid 156 with lysine.
Molecular consequence: missense variant.
Genome position (GRCh38, 1-based): chr6:137,204,412, C>T on the plus strand (G>A on the coding strand, the complement: IFNGR1 is on the minus strand). VCF-style: chr6-137204412-C-T. GRCh37 (hg19) VCF-style: chr6-137525549-C-T.
Other names: c.436G>A, p.Glu146Lys (NM_001363526.1); c.343G>A, p.Glu115Lys (NM_001363527.1); short protein forms E146K, E115K, E156K.
Identifiers: ClinVar variation 972519 (VCV000972519.8), dbSNP rs150445578, ClinGen allele CA4018967.